The following is an entry in ClinVar:

ClinVar aggregate classification (germline): Likely pathogenic. Review status: criteria provided, single submitter (1 of 4 stars). 2 submissions from 2 submitters: Likely pathogenic (1). 1 of the submissions does not count toward it. Last evaluated 2022-03-09.

Conditions:
VISS syndrome. Also called: VASCULAR ANEURYSM, IMMUNE DYSREGULATION, SKELETAL ANOMALIES, AND SKIN AND JOINT LAXITY. Identifiers: MedGen C5561955, MONDO:0859177, OMIM 619472.
IPO8 related Connective tissue disorder.

Allele frequency attached by ClinVar (database versions not stated): gnomAD exomes below 0.00001.

Submissions (2):

SIB Swiss Institute of Bioinformatics
Classification: Likely pathogenic for VISS syndrome. Last evaluated: 2022-03-09. Review status: criteria provided, single submitter. Criteria: ACMG Guidelines, 2015. Collection method: curation. Allele origin: unknown.
Comment: This variant is interpreted as likely pathogenic for VISS syndrome, autosomal dominant. The following ACMG Tag(s) were applied: Absent from controls (or at extremely low frequency if recessive) in Exome Sequencing Project, 1000 Genomes Project, or Exome Aggregation Consortium (PM2); Multiple lines of computational evidence support a deleterious effect on the gene or gene product (PP3); Well-established functional studies show a deleterious effect (PS3).

Biochemistry and Genetics Laboratory, University Hospital of Angers
Classification: Pathogenic for IPO8 related Connective tissue disorder. Last evaluated: 2021-04-22. Review status: no assertion criteria provided. Collection method: research. Allele origin: inherited. Affected: yes. Not counted in ClinVar's aggregate classification.

Literature cited by the submitters: PubMed 34010604 (cited by SIB Swiss Institute of Bioinformatics).

NM_006390.4(IPO8):c.2500C>T (p.Arg834Trp)

Gene: IPO8 (importin 8; minus strand). Cytogenetic location: 12p11.21.
Variant type: single nucleotide variant.
Coding change: c.2500C>T on transcript NM_006390.4 (MANE Select); coding-DNA position 2500, C replaced by T.
Protein change: p.Arg834Trp; replaces arginine 834 with tryptophan.
Molecular consequence: missense variant.
Genome position (GRCh38, 1-based): chr12:30,637,177, G>A on the plus strand (C>T on the coding strand, the complement: IPO8 is on the minus strand). VCF-style: chr12-30637177-G-A. GRCh37 (hg19) VCF-style: chr12-30790111-G-A.
Other names: c.1885C>T, p.Arg629Trp (NM_001190995.2); short protein forms R629W, R834W.
Identifiers: ClinVar variation 1064726 (VCV001064726.2), dbSNP rs1425433912, ClinGen allele CA384222342.